The following is an entry in ClinVar:

ClinVar aggregate classification (germline): Benign/Likely benign. Review status: criteria provided, multiple submitters, no conflicts (2 of 4 stars). 2 submissions from 2 submitters: Benign (1); Likely benign (1). Last evaluated 2026-04-11.

Conditions:
Hereditary cancer-predisposing syndrome. Also called: Neoplastic Syndromes, Hereditary; Tumor predisposition; Hereditary Cancer Syndrome; Hereditary neoplastic syndrome. Identifiers: Orphanet 140162, MedGen C0027672, MeSH D009386, MONDO:0015356.
Familial cancer of breast. Also called: BREAST CANCER, FAMILIAL; Hereditary breast cancer; hereditary breast carcinoma. Identifiers: Orphanet 227535, MedGen C0346153, MONDO:0016419, OMIM 114480. Disease mechanism: loss of function.

Allele frequency attached by ClinVar (database versions not stated): gnomAD exomes below 0.00001.
gnomAD v4.1: 1 of 1,614,080 alleles (0.000062%); highest among the groups gnomAD compares: Non-Finnish European, 0.000085%; no homozygotes.

Submissions (2):

Ambry Genetics
Classification: Likely benign for Hereditary cancer-predisposing syndrome. Last evaluated: 2026-04-11. Review status: criteria provided, single submitter. Criteria: Ambry Variant Classification Scheme 2023. Collection method: clinical testing. Allele origin: germline.

Myriad Genetics, Inc.
Classification: Benign for Familial cancer of breast. Last evaluated: 2024-05-10. Review status: criteria provided, single submitter. Criteria: Myriad Autosomal Dominant, Autosomal Recessive and X-Linked Classification Criteria (2023). Collection method: clinical testing. Allele origin: unknown.
Comment: This variant is considered benign. This variant is a silent/synonymous amino acid change and it is not expected to impact splicing.

NM_000051.4(ATM):c.2880C>G (p.Pro960=)

Gene: ATM (ATM serine/threonine kinase; plus strand). Cytogenetic location: 11q22.3.
Variant type: single nucleotide variant.
Coding change: c.2880C>G on transcript NM_000051.4 (MANE Select); coding-DNA position 2880, C replaced by G.
Protein change: p.Pro960=; no amino-acid change (proline 960 retained).
Molecular consequence: synonymous variant.
Genome position (GRCh38, 1-based): chr11:108,271,105, C>G. VCF-style: chr11-108271105-C-G. GRCh37 (hg19) VCF-style: chr11-108141832-C-G.
Other names: c.2880C>G, p.Pro960= (NM_001351834.2).
Identifiers: ClinVar variation 3253781 (VCV003253781.2), dbSNP rs1591602430.